The following is an entry in ClinVar:

ClinVar aggregate classification (germline): Uncertain significance (1 of 4 stars; one submission).

Submission:

Illumina Laboratory Services, Illumina
Classification: Uncertain significance. Last evaluated: 2021-09-25. Review status: criteria provided, single submitter. Criteria: ICSLVariantClassificationCriteria RUGD 01 April 2020. Collection method: clinical testing. Allele origin: unknown.
Comment: The TNS2 c.2868_2869delGCinsTT (p.LeuPro956PheSer) variant is a multi-nucleotide variant. A literature search was performed for the gene, cDNA change, and amino acid change. No publications were found based on this search. This variant is reported at a frequency of 0.000062 in the African/African American population of the Genome Aggregation Database (version 2.1.1). Based on the available evidence, the p.LeuPro956PheSer variant is classified as a variant of uncertain significance.

NM_170754.4(TNS2):c.2838_2839delinsTT (p.Leu946_Pro947delinsPheSer)

Gene: TNS2 (tensin 2; plus strand). Cytogenetic location: 12q13.13.
Variant type: Indel.
Coding change: c.2838_2839delinsTT on transcript NM_170754.4 (MANE Select); coding-DNA positions 2838 to 2839, GC replaced by TT.
Protein change: p.Leu946_Pro947delinsPheSer.
Molecular consequence: missense variant.
Genome position (GRCh38, 1-based): chr12:53,060,744-53,060,745, GC replaced by TT. VCF-style: chr12-53060744-GC-TT. GRCh37 (hg19) VCF-style: chr12-53454528-GC-TT.
Other names: c.2838_2839delGCinsTT, p.Leu946_Pro947delinsPheSer (NM_001416202.1); c.2796_2797delGCinsTT, p.Leu932_Pro933delinsPheSer (NM_001416203.1); c.2865_2866delGCinsTT, p.Leu955_Pro956delinsPheSer (NM_001416204.1); c.2769_2770delGCinsTT, p.Leu923_Pro924delinsPheSer (NM_015319.3); c.2466_2467delinsTT, p.Leu822_Pro823delinsPheSer (NM_198316.2).
Identifiers: ClinVar variation 1299457 (VCV001299457.4), dbSNP rs2121158140, ClinGen allele CA2499221753.
Genomic context (GRCh38, chr12:53,060,744, plus strand): 5'-ACAGGACACCAGGTCCCCCACCTCAGCGCCCACTCAGAGACTGAGTCCTGGCGAGGCCTT[GC>TT]CCCCTGTTTCCCAGGCAGGCACCGGAAAGGCCCCTGAGCTGCCGTCGGGAAGTGGGCCTG-3'